The following is an entry in ClinVar:

ClinVar aggregate classification (germline): Likely benign (1 of 4 stars; one submission).

Submission:

CeGaT Center for Human Genetics Tuebingen
Classification: Likely benign. Last evaluated: 2026-05-01. Review status: criteria provided, single submitter. Criteria: CeGaT Center For Human Genetics Tuebingen Variant Classification Criteria Version 2. Collection method: clinical testing. Allele origin: germline. Affected: yes. Observed: 1 variant allele.
Comment: KIF19: PM2:Supporting, BP4, BP7

NM_153209.4(KIF19):c.2520T>C (p.Ala840=)

Gene: KIF19 (kinesin family member 19; plus strand). Cytogenetic location: 17q25.1.
Variant type: single nucleotide variant.
Coding change: c.2520T>C on transcript NM_153209.4 (MANE Select); coding-DNA position 2520, T replaced by C.
Protein change: p.Ala840=; no amino-acid change (alanine 840 retained).
Molecular consequence: synonymous variant.
Genome position (GRCh38, 1-based): chr17:74,354,373, T>C. VCF-style: chr17-74354373-T-C. GRCh37 (hg19) VCF-style: chr17-72350512-T-C.
Identifiers: ClinVar variation 4872845 (VCV004872845.2).
Genomic context (GRCh38, chr17:74,354,373, plus strand): 5'-TGCGCGGCCACCAGGCCCACTGGCCTGCAAGCGGCCGCCCAGCCCCACACTACAGCATGC[T>C]GCCAGTGAGGACAACCTGTCCAGCAGCACGGGCGAGGCCCCGTCCCGGGCAGTCGGACAT-3'
Protein context (NP_694941.2, residues 830-850): KRPPSPTLQH[Ala840=]ASEDNLSSST